The following is an entry in ClinVar:

NM_014362.4(HIBCH):c.438+4A>G

Gene: HIBCH (3-hydroxyisobutyryl-CoA hydrolase; minus strand). Cytogenetic location: 2q32.2.
Variant type: single nucleotide variant.
Coding change: c.438+4A>G on transcript NM_014362.4 (MANE Select); 4 bases into the intron after coding-DNA position 438, A replaced by G.
Molecular consequence: intron variant.
Genome position (GRCh38, 1-based): chr2:190,287,582, T>C on the plus strand (A>G on the coding strand, the complement: HIBCH is on the minus strand). VCF-style: chr2-190287582-T-C. GRCh37 (hg19) VCF-style: chr2-191152308-T-C.
Other names: c.438+4A>G (NM_198047.3).
Identifiers: ClinVar variation 1999309 (VCV001999309.4), dbSNP rs1404615527, ClinGen allele CA762382578.

ClinVar aggregate classification (germline): Uncertain significance (1 of 4 stars; one submission).

Conditions:
3-hydroxyisobutyryl-CoA hydrolase deficiency. Also called: Reduced circulating 3-hydroxyisobutyryl-CoA hydrolase activity; Deficiency of 3-hydroxyisobutyryl CoA hydrolase; HIBCH DEFICIENCY; METHACRYLIC ACID TOXICITY; METHACRYLIC ACIDURIA; VALINE METABOLIC DEFECT. Identifiers: Orphanet 88639, MedGen C0342738, MONDO:0009603, OMIM 250620, HP:6000215.

Allele frequency attached by ClinVar (database versions not stated): TOPMed below 0.00001.

Submission:

Labcorp Genetics (formerly Invitae), Labcorp
Classification: Uncertain significance for 3-hydroxyisobutyryl-CoA hydrolase deficiency. Last evaluated: 2022-08-19. Review status: criteria provided, single submitter. Criteria: Invitae Variant Classification Sherloc (09022015). Collection method: clinical testing. Allele origin: germline.
Comment: In summary, the available evidence is currently insufficient to determine the role of this variant in disease. Therefore, it has been classified as a Variant of Uncertain Significance. Variants that disrupt the consensus splice site are a relatively common cause of aberrant splicing (PMID: 17576681, 9536098). Algorithms developed to predict the effect of sequence changes on RNA splicing suggest that this variant may disrupt the consensus splice site. This variant has not been reported in the literature in individuals affected with HIBCH-related conditions. This variant is not present in population databases (gnomAD no frequency). This sequence change falls in intron 6 of the HIBCH gene. It does not directly change the encoded amino acid sequence of the HIBCH protein. It affects a nucleotide within the consensus splice site.

Literature cited by the submitters: PubMed 17576681; PubMed 9536098.